The following is an entry in ClinVar:

ClinVar aggregate classification (germline): Benign. Review status: criteria provided, multiple submitters, no conflicts (2 of 4 stars). 16 submissions from 16 submitters: Benign (14). 2 of the submissions do not count toward it. Last evaluated 2026-09-01.

Conditions:
Inborn genetic diseases. Identifiers: MedGen C0950123, MeSH D030342.
Hypogonadotropic hypogonadism 5 with or without anosmia (KAL5). Also called: CHD7-Related GnRH Deficiency (Kallmann Syndrome 5); HYPOGONADOTROPIC HYPOGONADISM 5 WITH ANOSMIA; HYPOGONADOTROPHIC HYPOGONADISM 5 WITHOUT ANOSMIA. Identifiers: Orphanet 478, MedGen C3552553, MONDO:0012880, OMIM 612370. Disease mechanism: loss of function.
CHARGE syndrome (CHARGE). Also called: CHARGE ASSOCIATION--COLOBOMA, HEART ANOMALY, CHOANAL ATRESIA, RETARDATION, GENITAL AND EAR ANOMALIES; Hittner Hirsch Kreh syndrome; Coloboma, heart anomaly, choanal atresia, retardation, genital and ear anomalies; CHARGE association; Hall-Hittner syndrome. Identifiers: Orphanet 138, MedGen C0265354, MONDO:0008965.

Allele frequency attached by ClinVar (database versions not stated): gnomAD 0.00625 and 0.00612; gnomAD exomes 0.00643 and 0.00783; ExAC 0.00677; 1000 Genomes Project 0.00339; ESP Exome Variant Server 0.00502; 1000 Genomes Project 30x 0.00312; TOPMed 0.00432.
gnomAD v4.1: 12,219 of 1,611,818 alleles (0.76%); highest among the groups gnomAD compares: Middle Eastern, 0.96%; 70 homozygotes.

Submissions (16):

CeGaT Center for Human Genetics Tuebingen
Classification: Benign. Last evaluated: 2026-09-01. Review status: criteria provided, single submitter. Criteria: CeGaT Center For Human Genetics Tuebingen Variant Classification Criteria Version 2. Collection method: clinical testing. Allele origin: germline. Affected: yes. Observed: 84 variant alleles.
Comment: CHD7: BP4, BP7, BS1, BS2

Labcorp Genetics (formerly Invitae), Labcorp
Classification: Benign for CHARGE syndrome. Last evaluated: 2026-02-04. Review status: criteria provided, single submitter. Criteria: Invitae Variant Classification Sherloc (09022015). Collection method: clinical testing. Allele origin: germline.

Blueprint Genetics
Classification: Benign. Last evaluated: 2024-11-27. Review status: criteria provided, single submitter. Criteria: ACMG Guidelines, 2015. Collection method: clinical testing. Allele origin: germline.

Women's Health and Genetics/Laboratory Corporation of America, LabCorp
Classification: Benign. Last evaluated: 2021-12-26. Review status: criteria provided, single submitter. Criteria: LabCorp Variant Classification Summary - May 2015. Collection method: clinical testing. Allele origin: germline.

Athena Diagnostics
Classification: Benign. Last evaluated: 2019-02-13. Review status: criteria provided, single submitter. Criteria: Athena Diagnostics Criteria. Collection method: clinical testing. Allele origin: germline.

Illumina Laboratory Services, Illumina
Classification: Benign for Kallmann Syndrome 5. Last evaluated: 2018-01-12. Review status: criteria provided, single submitter. Criteria: ICSL Variant Classification Criteria 13 December 2019. Collection method: clinical testing. Allele origin: germline.
Comment: This variant was observed in the ICSL laboratory as part of a predisposition screen in an ostensibly healthy population. It had not been previously curated by ICSL or reported in the Human Gene Mutation Database (HGMD: prior to June 1st, 2018), and was therefore a candidate for classification through an automated scoring system. Utilizing variant allele frequency, disease prevalence and penetrance estimates, and inheritance mode, an automated score was calculated to assess if this variant is too frequent to cause the disease. Based on the score and internal cut-off values, a variant classified as benign is not then subjected to further curation. The score for this variant resulted in a classification of benign for this disease.

Laboratory for Molecular Medicine, Mass General Brigham Personalized Medicine
Classification: Benign. Last evaluated: 2017-08-23. Review status: criteria provided, single submitter. Criteria: LMM Criteria. Collection method: clinical testing. Allele origin: germline. Observed: 2 variant alleles.
Comment: p.Pro2037Pro in exon 31 of CHD7: This variant is not expected to have clinical s ignificance because it does not alter an amino acid residue, is not located with in the splice consensus sequence, and has been identified in 2.36% (156/6614) of Finnish chromosomes by the Exome Aggregation Consortium (ExAC; dbSNP rs41312170).

ARUP Laboratories, Molecular Genetics and Genomics, ARUP Laboratories
Classification: Benign. Last evaluated: 2017-02-17. Review status: criteria provided, single submitter. Criteria: ARUP Molecular Germline Variant Investigation Process. Collection method: clinical testing. Allele origin: germline.

Genetic Services Laboratory, University of Chicago
Classification: Benign. Last evaluated: 2017-01-09. Review status: criteria provided, single submitter. Criteria: ACMG Guidelines, 2015. Collection method: clinical testing. Allele origin: germline. Affected: no.

Ambry Genetics
Classification: Benign for Inborn genetic diseases. Last evaluated: 2016-06-24. Review status: criteria provided, single submitter. Criteria: Ambry Variant Classification Scheme 2023. Collection method: clinical testing. Allele origin: germline.

GeneDx
Classification: Benign. Last evaluated: 2015-03-03. Review status: criteria provided, single submitter. Criteria: GeneDx Variant Classification Process June 2021. Collection method: clinical testing. Allele origin: germline. Affected: yes.

Eurofins Ntd Llc (ga)
Classification: Benign. Last evaluated: 2013-02-22. Review status: criteria provided, single submitter. Criteria: EGL Classification Definitions 2015. Collection method: clinical testing. Allele origin: germline. Observed: 2 variant alleles, 2 heterozygotes.

Breakthrough Genomics
Classification: Benign. Review status: criteria provided, single submitter. Criteria: ACMG Guidelines, 2015. Collection method: not provided. Allele origin: germline. Inheritance: Autosomal dominant inheritance. Affected: yes.

PreventionGenetics, part of Exact Sciences
Classification: Benign. Review status: criteria provided, single submitter. Criteria: ACMG Guidelines, 2015. Collection method: clinical testing. Allele origin: germline.

Clinical Genetics DNA and cytogenetics Diagnostics Lab, Erasmus MC, Erasmus Medical Center
Classification: Likely benign. Review status: no assertion criteria provided. Collection method: clinical testing. Allele origin: germline. Affected: yes. Study: VKGL Data-share Consensus. Not counted in ClinVar's aggregate classification.

Clinical Genetics, Academic Medical Center
Classification: Benign. Review status: no assertion criteria provided. Collection method: clinical testing. Allele origin: germline. Affected: yes. Study: VKGL Data-share Consensus. Not counted in ClinVar's aggregate classification.

NM_017780.4(CHD7):c.6111C>T (p.Pro2037=)

Gene: CHD7 (chromodomain helicase DNA binding protein 7; plus strand). Cytogenetic location: 8q12.2.
Variant type: single nucleotide variant.
Coding change: c.6111C>T on transcript NM_017780.4 (MANE Select); coding-DNA position 6111, C replaced by T.
Protein change: p.Pro2037=; no amino-acid change (proline 2037 retained).
Molecular consequence: synonymous variant. On other transcripts: intron variant (1).
Genome position (GRCh38, 1-based): chr8:60,852,836, C>T. VCF-style: chr8-60852836-C-T. GRCh37 (hg19) VCF-style: chr8-61765395-C-T.
Other names: c.1717-9393C>T (NM_001316690.1).
Identifiers: ClinVar variation 95800 (VCV000095800.70), dbSNP rs41312170, ClinGen allele CA148870.